The following is an entry in ClinVar:

ClinVar aggregate classification (germline): Pathogenic. Review status: reviewed by expert panel (3 of 4 stars). 2 submissions from 2 submitters: Pathogenic (1). 1 of the submissions does not count toward it. Last evaluated 2025-01-15.

Conditions:
Hereditary thrombocytopenia and hematologic cancer predisposition syndrome. Identifiers: Orphanet 71290, MedGen CN281654, MONDO:0011071.
Acute myeloid leukemia (AML). Also called: Acute myeloid leukemia, adult; AML adult; Acute non-lymphocytic leukemia; Acute granulocytic leukemia; Leukemia, acute myeloid, somatic; Leukemia, acute myelogenous, somatic. Identifiers: Orphanet 519, MedGen C0023467, MeSH D015470, MONDO:0018874, OMIM 601626, HP:0004808. Disease mechanism: Constitutively activated FLT3.

Submissions (2):

ClinGen Myeloid Malignancy Variant Curation Expert Panel
Classification: Pathogenic for Hereditary thrombocytopenia and hematologic cancer predisposition syndrome. Last evaluated: 2025-01-15. Review status: reviewed by expert panel. Criteria: ClinGen MyeloMalig ACMG Specifications v2. Collection method: curation. Allele origin: germline. Inheritance: Autosomal dominant inheritance.
Comment: NM_001754.5(RUNX1):c.777_778dup (p.Asn260fs) is a nonsense variant which is completely absent from all population databases with at least 20x coverage for RUNX1 (PM2_Supporting). This variant is predicted to undergo nonsense mediated decay in a gene in which loss-of-function is an established mechanism (frameshift (+) c.98-c.779 as per VCEP specifications) (PVS1). This variant is a nonsense/frameshift variant that is downstream of c.98 (PM5_Supporting). In summary, this variant meets criteria to be classified as pathogenic. ACMG/AMP criteria applied, as specified by the Myeloid Malignancy Variant Curation Expert Panel for RUNX1: PM2_Supporting, PVS1, PM5_Supporting.

Baylor Genetics
Classification: Likely pathogenic for Acute myeloid leukemia. Last evaluated: 2023-11-23. Review status: criteria provided, single submitter. Criteria: ACMG Guidelines, 2015. Collection method: clinical testing. Allele origin: unknown. Not counted in ClinVar's aggregate classification.

NM_001754.5(RUNX1):c.777_778dup (p.Asn260fs)

Gene: RUNX1 (RUNX family transcription factor 1; minus strand). Cytogenetic location: 21q22.12.
Variant type: Duplication.
Coding change: c.777_778dup on transcript NM_001754.5 (MANE Select); coding-DNA positions 777 to 778, 2 bases duplicated (TA; older notation c.777_778dupTA).
Protein change: p.Asn260fs; shifts the reading frame from asparagine 260.
Molecular consequence: frameshift variant.
Genome position (GRCh38, 1-based): chr21:34,834,437-34,834,438, TA duplicated on the plus strand (TA on the coding strand, the reverse complement: RUNX1 is on the minus strand). VCF-style (leftmost placement, unchanged base first): chr21-34834436-T-TTA. GRCh37 (hg19) VCF-style: chr21-36206733-T-TTA.
Other names: NM_001754.5(RUNX1):c.777_778dup; p.Asn260fs; c.696_697dup, p.Asn233fs (NM_001001890.3, NM_001122607.2); short protein forms N233fs, N260fs.
Identifiers: ClinVar variation 3240390 (VCV003240390.2), dbSNP rs2517038098.